The following is an entry in ClinVar:

NM_015338.6(ASXL1):c.1185A>G (p.Ile395Met)

Gene: ASXL1 (ASXL transcriptional regulator 1; plus strand). Cytogenetic location: 20q11.21.
Variant type: single nucleotide variant.
Coding change: c.1185A>G on transcript NM_015338.6 (MANE Select); coding-DNA position 1185, A replaced by G.
Protein change: p.Ile395Met; replaces isoleucine 395 with methionine.
Molecular consequence: missense variant.
Genome position (GRCh38, 1-based): chr20:32,433,383, A>G. VCF-style: chr20-32433383-A-G. GRCh37 (hg19) VCF-style: chr20-31021186-A-G.
Other names: c.1002A>G, p.Ile334Met (NM_001363734.1); short protein forms I334M, I395M.
Identifiers: ClinVar variation 4864918 (VCV004864918.1).

ClinVar aggregate classification (germline): Uncertain significance (1 of 4 stars; one submission).

Conditions:
Inborn genetic diseases. Identifiers: MedGen C0950123, MeSH D030342.

gnomAD v4.1: 1 of 1,614,198 alleles (0.000062%); highest among the groups gnomAD compares: Non-Finnish European, 0.000085%; no homozygotes.

Submission:

Ambry Genetics
Classification: Uncertain significance for Inborn genetic diseases. Last evaluated: 2026-06-02. Review status: criteria provided, single submitter. Criteria: Ambry Variant Classification Scheme 2023. Collection method: clinical testing. Allele origin: germline.
Comment: The p.I395M variant (also known as c.1185A>G), located in coding exon 12 of the ASXL1 gene, results from an A to G substitution at nucleotide position 1185. The isoleucine at codon 395 is replaced by methionine, an amino acid with highly similar properties. This amino acid position is conserved. In addition, this alteration is predicted to be tolerated by in silico analysis. Based on the available evidence, the clinical significance of this variant remains unclear.